The following is an entry in ClinVar:

NM_001414.4(EIF2B1):c.241C>T (p.Leu81=)

Gene: EIF2B1 (eukaryotic translation initiation factor 2B subunit alpha; minus strand). Cytogenetic location: 12q24.31.
Variant type: single nucleotide variant.
Coding change: c.241C>T on transcript NM_001414.4 (MANE Select); coding-DNA position 241, C replaced by T.
Protein change: p.Leu81=; no amino-acid change (leucine 81 retained).
Molecular consequence: synonymous variant.
Genome position (GRCh38, 1-based): chr12:123,630,408, G>A on the plus strand (C>T on the coding strand, the complement: EIF2B1 is on the minus strand). VCF-style: chr12-123630408-G-A. GRCh37 (hg19) VCF-style: chr12-124114955-G-A.
Identifiers: ClinVar variation 1638519 (VCV001638519.23), dbSNP rs1012516401, ClinGen allele CA245158182.
Genomic context (GRCh38, chr12:123,630,408, plus strand): 5'-CACTAAACAGAGAAGTGGAAAGGTAACCCCAGGGAGAACAGGCACTTACGGAGTATTCCA[G>A]GGAGGCAAGACTGATGAAGCGGAGGAAGAGCTCCCCGCCAGAGGACACTGCCACAGAGGA-3'
Protein context (NP_001405.1, residues 71-91): LFLRFISLAS[Leu81=]EYSDYSKCKK

ClinVar aggregate classification (germline): Likely benign. Review status: criteria provided, multiple submitters, no conflicts (2 of 4 stars). 3 submissions from 3 submitters: Likely benign (3). Last evaluated 2025-09-21.

Allele frequency attached by ClinVar (database versions not stated): gnomAD exomes below 0.00001 and 0.00004; TOPMed 0.00005; gnomAD 0.00007.
gnomAD v4.1: 74 of 1,614,054 alleles (0.0046%); highest among the groups gnomAD compares: Non-Finnish European, 0.006%; no homozygotes.

Submissions (3):

Labcorp Genetics (formerly Invitae), Labcorp
Classification: Likely benign. Last evaluated: 2025-09-21. Review status: criteria provided, single submitter. Criteria: Invitae Variant Classification Sherloc (09022015). Collection method: clinical testing. Allele origin: germline.

CeGaT Center for Human Genetics Tuebingen
Classification: Likely benign. Last evaluated: 2024-10-01. Review status: criteria provided, single submitter. Criteria: CeGaT Center For Human Genetics Tuebingen Variant Classification Criteria Version 2. Collection method: clinical testing. Allele origin: germline. Affected: yes. Observed: 1 variant allele.
Comment: EIF2B1: BP4

Blueprint Genetics
Classification: Likely benign. Last evaluated: 2023-07-14. Review status: criteria provided, single submitter. Criteria: ACMG Guidelines, 2015. Collection method: clinical testing. Allele origin: germline.